The following is an entry in ClinVar:

NM_003923.3(FOXH1):c.1023C>T (p.Tyr341=)

Gene: FOXH1 (forkhead box H1; minus strand). Cytogenetic location: 8q24.3.
Variant type: single nucleotide variant.
Coding change: c.1023C>T on transcript NM_003923.3 (MANE Select); coding-DNA position 1023, C replaced by T.
Protein change: p.Tyr341=; no amino-acid change (tyrosine 341 retained).
Molecular consequence: synonymous variant.
Genome position (GRCh38, 1-based): chr8:144,474,313, G>A on the plus strand (C>T on the coding strand, the complement: FOXH1 is on the minus strand). VCF-style: chr8-144474313-G-A. GRCh37 (hg19) VCF-style: chr8-145699696-G-A.
Identifiers: ClinVar variation 696087 (VCV000696087.18), dbSNP rs149382395, ClinGen allele CA4945379.
Genomic context (GRCh38, chr8:144,474,313, plus strand): 5'-GGAGAGCAGCCAGCCTGGGCCAGGGGCCGCCAGGTCCCGAGGGTGGCTGACCCAAACGTC[G>A]TAGATGCTTTTGTTGGGTGGCACCCCTTGGAAGAGGGCGTCTAGATCGCAGAGCAGCCCT-3'
Protein context (NP_003914.1, residues 331-351): FQGVPPNKSI[Tyr341=]DVWVSHPRDL

ClinVar aggregate classification (germline): Benign/Likely benign. Review status: criteria provided, multiple submitters, no conflicts (2 of 4 stars). 6 submissions from 6 submitters: Benign (2); Likely benign (3). 1 of the submissions does not count toward it. Last evaluated 2026-07-01.

Conditions:
FOXH1-related disorder. Also called: FOXH1-related condition.
Holoprosencephaly sequence (HPE). Also called: Holoprosencephaly. Identifiers: Orphanet 2162, MedGen C0079541, MONDO:0016296, HP:0001360.

Allele frequency attached by ClinVar (database versions not stated): gnomAD exomes 0.00013 and 0.00015; ExAC 0.00014; gnomAD 0.00035 and 0.00042; ESP Exome Variant Server 0.00039; TOPMed 0.00039.

Submissions (6):

CeGaT Center for Human Genetics Tuebingen
Classification: Likely benign. Last evaluated: 2026-07-01. Review status: criteria provided, single submitter. Criteria: CeGaT Center For Human Genetics Tuebingen Variant Classification Criteria Version 2. Collection method: clinical testing. Allele origin: germline. Affected: yes. Observed: 1 variant allele.
Comment: FOXH1: BP4, BP7

Labcorp Genetics (formerly Invitae), Labcorp
Classification: Benign for Holoprosencephaly sequence. Last evaluated: 2025-10-15. Review status: criteria provided, single submitter. Criteria: Invitae Variant Classification Sherloc (09022015). Collection method: clinical testing. Allele origin: germline.

Women's Health and Genetics/Laboratory Corporation of America, LabCorp
Classification: Benign. Last evaluated: 2024-08-11. Review status: criteria provided, single submitter. Criteria: LabCorp Variant Classification Summary - May 2015. Collection method: clinical testing. Allele origin: germline.

Blueprint Genetics
Classification: Likely benign. Last evaluated: 2023-12-20. Review status: criteria provided, single submitter. Criteria: ACMG Guidelines, 2015. Collection method: clinical testing. Allele origin: germline.

Illumina Laboratory Services, Illumina
Classification: Likely benign for Holoprosencephaly sequence. Last evaluated: 2018-01-12. Review status: criteria provided, single submitter. Criteria: ICSL Variant Classification Criteria 13 December 2019. Collection method: clinical testing. Allele origin: germline.
Comment: This variant was observed in the ICSL laboratory as part of a predisposition screen in an ostensibly healthy population. It had not been previously curated by ICSL or reported in the Human Gene Mutation Database (HGMD: prior to June 1st, 2018), and was therefore a candidate for classification through an automated scoring system. Utilizing variant allele frequency, disease prevalence and penetrance estimates, and inheritance mode, an automated score was calculated to assess if this variant is too frequent to cause the disease. Based on the score and internal cut-off values, a variant classified as likely benign is not then subjected to further curation. The score for this variant resulted in a classification of likely benign for this disease.

PreventionGenetics, part of Exact Sciences
Classification: Likely benign for FOXH1-related condition. Last evaluated: 2019-08-28. Review status: no assertion criteria provided. Collection method: clinical testing. Allele origin: germline. Not counted in ClinVar's aggregate classification.
Comment: This variant is classified as likely benign based on ACMG/AMP sequence variant interpretation guidelines (Richards et al. 2015 PMID: 25741868, with internal and published modifications).